The following is an entry in ClinVar:

NM_199420.4(POLQ):c.151G>C (p.Ala51Pro)

Genes: POLQ (DNA polymerase theta; minus strand), LOC112872292 (Sharpr-MPRA regulatory region 30; plus strand). Cytogenetic location: 3q13.33.
Variant type: single nucleotide variant.
Coding change: c.151G>C on transcript NM_199420.4 (MANE Select); coding-DNA position 151, G replaced by C.
Protein change: p.Ala51Pro; replaces alanine 51 with proline.
Molecular consequence: missense variant.
Genome position (GRCh38, 1-based): chr3:121,545,727, C>G on the plus strand (G>C on the coding strand, the complement: POLQ is on the minus strand). VCF-style: chr3-121545727-C-G. GRCh37 (hg19) VCF-style: chr3-121264574-C-G.
Other names: short protein forms A51P.
Identifiers: ClinVar variation 2625822 (VCV002625822.2), dbSNP rs2048528465, ClinGen allele CA354096835.

ClinVar aggregate classification (germline): Uncertain significance (1 of 4 stars; one submission).

gnomAD v4.1: 19 of 1,569,786 alleles (0.0012%); highest among the groups gnomAD compares: Non-Finnish European, 0.0016%; no homozygotes.

Submission:

Ambry Genetics
Classification: Uncertain significance. Last evaluated: 2023-07-03. Review status: criteria provided, single submitter. Criteria: Ambry Variant Classification Scheme 2023. Collection method: clinical testing. Allele origin: germline.
Comment: The p.A51P variant (also known as c.151G>C), located in coding exon 1 of the POLQ gene, results from a G to C substitution at nucleotide position 151. The alanine at codon 51 is replaced by proline, an amino acid with highly similar properties. This amino acid position is conserved. In addition, this alteration is predicted to be tolerated by in silico analysis. Since supporting evidence is limited at this time, the clinical significance of this alteration remains unclear.